The following is an entry in ClinVar:

ClinVar aggregate classification (germline): Pathogenic (1 of 4 stars; one submission).

Conditions:
Neurofibromatosis, type 1 (NF1). Also called: Peripheral type neurofibromatosis; NEUROFIBROMATOSIS, TYPE I, SOMATIC; Neurofibromatosis, type I; VON RECKLINGHAUSEN DISEASE. Identifiers: Orphanet 636, MedGen C0027831, MONDO:0018975, OMIM 162200. Disease mechanism: loss of function.

Submission:

Labcorp Genetics (formerly Invitae), Labcorp
Classification: Pathogenic for Neurofibromatosis, type 1. Last evaluated: 2022-08-16. Review status: criteria provided, single submitter. Criteria: Invitae Variant Classification Sherloc (09022015). Collection method: clinical testing. Allele origin: germline.
Comment: This sequence change creates a premature translational stop signal (p.Gly2103Aspfs*26) in the NF1 gene. It is expected to result in an absent or disrupted protein product. Loss-of-function variants in NF1 are known to be pathogenic (PMID: 10712197, 23913538). This variant is not present in population databases (gnomAD no frequency). This variant has not been reported in the literature in individuals affected with NF1-related conditions. For these reasons, this variant has been classified as Pathogenic.

Literature cited by the submitters: PubMed 10712197; PubMed 23913538.

NM_001042492.3(NF1):c.6371del (p.Gly2124fs)

Gene: NF1 (neurofibromin 1; plus strand). Cytogenetic location: 17q11.2.
Variant type: Deletion.
Coding change: c.6371del on transcript NM_001042492.3 (MANE Select); coding-DNA position 6371, one base deleted (G; older notation c.6371delG).
Protein change: p.Gly2124fs; shifts the reading frame from glycine 2124.
Molecular consequence: frameshift variant.
Genome position (GRCh38, 1-based): chr17:31,336,858, G deleted; the last of 2 consecutive G bases (chr17:31,336,857-31,336,858); deleting either gives the same sequence. VCF-style (leftmost placement, unchanged base first): chr17-31336856-TG-T. GRCh37 (hg19) VCF-style: chr17-29663874-TG-T.
Other names: c.6308delG, p.Gly2103Aspfs (NM_000267.4); short protein forms G2103fs, G2124fs.
Identifiers: ClinVar variation 2127328 (VCV002127328.4), dbSNP rs2508749828, ClinGen allele CA2580093321.
Genomic context (GRCh38, chr17:31,336,856, plus strand): 5'-CTTCCACGTTGTTACTTTCTTAGTAGCCACAGGTCCGCTCTCCCTTAGAGCTTCCACACA[TG>T]GACTGGTCATTAATATCATTCACTCTCTGTGTACTTGTTCACAGCTTCATTTTAGTGGTA-3'